The following is an entry in ClinVar:

ClinVar aggregate classification (germline): Likely benign (1 of 4 stars; one submission).

Submission:

CeGaT Center for Human Genetics Tuebingen
Classification: Likely benign. Last evaluated: 2022-05-01. Review status: criteria provided, single submitter. Criteria: CeGaT Center For Human Genetics Tuebingen Variant Classification Criteria Version 2. Collection method: clinical testing. Allele origin: germline. Affected: yes. Observed: 1 variant allele.
Comment: TMEM201: PM2:Supporting, BP4, BP7

NM_001130924.3(TMEM201):c.42C>G (p.Ala14=)

Genes: TMEM201 (transmembrane protein 201; plus strand), LOC129929335 (ATAC-STARR-seq lymphoblastoid silent region 224; plus strand). Cytogenetic location: 1p36.22.
Variant type: single nucleotide variant.
Coding change: c.42C>G on transcript NM_001130924.3 (MANE Select); coding-DNA position 42, C replaced by G.
Protein change: p.Ala14=; no amino-acid change (alanine 14 retained).
Molecular consequence: synonymous variant.
Genome position (GRCh38, 1-based): chr1:9,588,972, C>G. VCF-style: chr1-9588972-C-G. GRCh37 (hg19) VCF-style: chr1-9649030-C-G.
Other names: c.42C>G, p.Ala14= (NM_001010866.4).
Identifiers: ClinVar variation 2638187 (VCV002638187.24), dbSNP rs1201928966, ClinGen allele CA415866405.